The following is an entry in ClinVar:

NM_000038.6(APC):c.6337A>G (p.Ser2113Gly)

Gene: APC (APC regulator of Wnt signaling pathway; plus strand). Cytogenetic location: 5q22.2.
Variant type: single nucleotide variant.
Coding change: c.6337A>G on transcript NM_000038.6 (MANE Select); coding-DNA position 6337, A replaced by G.
Protein change: p.Ser2113Gly; replaces serine 2113 with glycine.
Molecular consequence: missense variant.
Genome position (GRCh38, 1-based): chr5:112,841,931, A>G. VCF-style: chr5-112841931-A-G. GRCh37 (hg19) VCF-style: chr5-112177628-A-G.
Other names: c.6337A>G, p.Ser2113Gly (NM_001127510.3, NM_001354895.2, NM_001407450.1); c.6283A>G, p.Ser2095Gly (NM_001127511.3); c.6391A>G, p.Ser2131Gly (NM_001354896.2, NM_001407447.1, NM_001407448.1 and 1 more transcripts); c.6367A>G, p.Ser2123Gly (NM_001354897.2); c.6262A>G, p.Ser2088Gly (NM_001354898.2); c.6253A>G, p.Ser2085Gly (NM_001354899.2); c.6214A>G, p.Ser2072Gly (NM_001354900.2); c.6160A>G, p.Ser2054Gly (NM_001354901.2, NM_001407453.1); and 11 more; short protein forms S1729G, S1830G, S1953G, S1984G, S1987G, S2012G, S2022G, S2030G.
Identifiers: ClinVar variation 1717354 (VCV001717354.7), dbSNP rs1324036331, ClinGen allele CA16035209.
Genomic context (GRCh38, chr5:112,841,931, plus strand): 5'-TCCCCTGATTCAGAAAATTTTGATTGGAAAGCTATTCAGGAAGGTGCAAATTCCATAGTA[A>G]GTAGTTTACATCAAGCTGCTGCTGCTGCATGTTTATCTAGACAAGCTTCGTCTGATTCAG-3'
Protein context (NP_000029.2, residues 2103-2123): AIQEGANSIV[Ser2113Gly]SLHQAAAAAC

ClinVar aggregate classification (germline): Uncertain significance. Review status: criteria provided, multiple submitters, no conflicts (2 of 4 stars). 2 submissions from 2 submitters: Uncertain significance (2). Last evaluated 2023-10-31.

Conditions:
Familial adenomatous polyposis 1 (FAP1). Also called: FAMILIAL ADENOMATOUS POLYPOSIS 1, ATTENUATED; POLYPOSIS, ADENOMATOUS INTESTINAL. Identifiers: MedGen C2713442, MONDO:0021056, OMIM 175100. Disease mechanism: loss of function.

Allele frequency attached by ClinVar (database versions not stated): gnomAD 0.00001.
gnomAD v4.1: 1 of 1,613,862 alleles (0.000062%); highest among the groups gnomAD compares: Non-Finnish European, 0.000085%; no homozygotes.

Submissions (2):

Baylor Genetics
Classification: Uncertain significance for Familial adenomatous polyposis 1. Last evaluated: 2023-10-31. Review status: criteria provided, single submitter. Criteria: ACMG Guidelines, 2015. Collection method: clinical testing. Allele origin: unknown.

Labcorp Genetics (formerly Invitae), Labcorp
Classification: Uncertain significance for Familial adenomatous polyposis 1. Last evaluated: 2022-08-21. Review status: criteria provided, single submitter. Criteria: Invitae Variant Classification Sherloc (09022015). Collection method: clinical testing. Allele origin: germline.
Comment: In summary, the available evidence is currently insufficient to determine the role of this variant in disease. Therefore, it has been classified as a Variant of Uncertain Significance. Algorithms developed to predict the effect of missense changes on protein structure and function are either unavailable or do not agree on the potential impact of this missense change (SIFT: "Tolerated"; PolyPhen-2: "Probably Damaging"; Align-GVGD: "Class C0"). This variant has not been reported in the literature in individuals affected with APC-related conditions. This variant is present in population databases (no rsID available, gnomAD 0.007%). This sequence change replaces serine, which is neutral and polar, with glycine, which is neutral and non-polar, at codon 2113 of the APC protein (p.Ser2113Gly).